The following is an entry in ClinVar:

ClinVar aggregate classification (germline): Uncertain significance. Review status: criteria provided, multiple submitters, no conflicts (2 of 4 stars). 2 submissions from 2 submitters: Uncertain significance (2). Last evaluated 2024-02-26.

gnomAD v4.1: 2 of 1,581,348 alleles (0.00013%); highest among the groups gnomAD compares: East Asian, 0.0022%; no homozygotes.

Submissions (2):

Labcorp Genetics (formerly Invitae), Labcorp
Classification: Uncertain significance. Last evaluated: 2024-02-26. Review status: criteria provided, single submitter. Criteria: Invitae Variant Classification Sherloc (09022015). Collection method: clinical testing. Allele origin: germline.
Comment: This sequence change replaces threonine, which is neutral and polar, with isoleucine, which is neutral and non-polar, at codon 5359 of the ADGRV1 protein (p.Thr5359Ile). This variant is present in population databases (no rsID available, gnomAD 0.006%). This variant has not been reported in the literature in individuals affected with ADGRV1-related conditions. An algorithm developed to predict the effect of missense changes on protein structure and function (PolyPhen-2) suggests that this variant is likely to be tolerated. In summary, the available evidence is currently insufficient to determine the role of this variant in disease. Therefore, it has been classified as a Variant of Uncertain Significance.

Blueprint Genetics
Classification: Uncertain significance. Last evaluated: 2023-07-18. Review status: criteria provided, single submitter. Criteria: ACMG Guidelines, 2015. Collection method: clinical testing. Allele origin: germline.

NM_032119.4(ADGRV1):c.16076C>T (p.Thr5359Ile)

Gene: ADGRV1 (adhesion G protein-coupled receptor V1; plus strand). Cytogenetic location: 5q14.3.
Variant type: single nucleotide variant.
Coding change: c.16076C>T on transcript NM_032119.4 (MANE Select); coding-DNA position 16076, C replaced by T.
Protein change: p.Thr5359Ile; replaces threonine 5359 with isoleucine.
Molecular consequence: missense variant. On other transcripts: non-coding transcript variant (1).
Genome position (GRCh38, 1-based): chr5:90,811,336, C>T. VCF-style: chr5-90811336-C-T. GRCh37 (hg19) VCF-style: chr5-90107153-C-T.
Other names: short protein forms T5359I.
Identifiers: ClinVar variation 3681615 (VCV003681615.3).